The following is an entry in ClinVar:

NM_052947.4(ALPK2):c.1639A>G (p.Lys547Glu)

Gene: ALPK2 (alpha kinase 2; minus strand). Cytogenetic location: 18q21.31.
Variant type: single nucleotide variant.
Coding change: c.1639A>G on transcript NM_052947.4 (MANE Select); coding-DNA position 1639, A replaced by G.
Protein change: p.Lys547Glu; replaces lysine 547 with glutamic acid.
Molecular consequence: missense variant.
Genome position (GRCh38, 1-based): chr18:58,579,137, T>C on the plus strand (A>G on the coding strand, the complement: ALPK2 is on the minus strand). VCF-style: chr18-58579137-T-C. GRCh37 (hg19) VCF-style: chr18-56246369-T-C.
Other names: short protein forms K547E.
Identifiers: ClinVar variation 1776981 (VCV001776981.3), dbSNP rs1399162915, ClinGen allele CA402561313.

ClinVar aggregate classification (germline): Uncertain significance (1 of 4 stars; one submission).

Allele frequency attached by ClinVar (database versions not stated): TOPMed 0.00003.

Submission:

Ambry Genetics
Classification: Uncertain significance. Last evaluated: 2023-07-30. Review status: criteria provided, single submitter. Criteria: Ambry Variant Classification Scheme 2023. Collection method: clinical testing. Allele origin: germline.
Comment: The p.K547E variant (also known as c.1639A>G), located in coding exon 3 of the ALPK2 gene, results from an A to G substitution at nucleotide position 1639. The lysine at codon 547 is replaced by glutamic acid, an amino acid with similar properties. This amino acid position is conserved. In addition, this alteration is predicted to be tolerated by in silico analysis. Since supporting evidence is limited at this time, the clinical significance of this alteration remains unclear.